The following is an entry in ClinVar:

NM_005378.6(MYCN):c.302dup (p.Leu102fs)

Genes: MYCN (MYCN proto-oncogene, bHLH transcription factor; plus strand), MYCNOS (MYCN opposite strand; minus strand). Cytogenetic location: 2p24.3.
Variant type: Duplication.
Coding change: c.302dup on transcript NM_005378.6 (MANE Select); coding-DNA position 302, one base duplicated (G; older notation c.302dupG).
Protein change: p.Leu102fs; shifts the reading frame from leucine 102.
Molecular consequence: frameshift variant. On other transcripts: non-coding transcript variant (1), 3 prime UTR variant (1), intron variant (1).
Genome position (GRCh38, 1-based): chr2:15,942,366, G duplicated; the last of 6 consecutive G bases (chr2:15,942,361-15,942,366); duplicating any one gives the same sequence. VCF-style (leftmost placement, unchanged base first): chr2-15942360-T-TG. GRCh37 (hg19) VCF-style: chr2-16082482-T-TG.
Other names: c.302dup, p.Leu102fs (NM_001293228.2); c.*237dup (NM_001293233.2); c.157+1623dup (NM_001293231.2); short protein forms L102fs.
Identifiers: ClinVar variation 2635585 (VCV002635585.1), dbSNP rs2527925277, ClinGen allele CA2657954366.

ClinVar aggregate classification (germline): Likely pathogenic (1 of 4 stars; one submission).

Conditions:
MYCN-related disorder. Also called: MYCN-related condition.

Submission:

PreventionGenetics, part of Exact Sciences
Classification: Likely pathogenic for MYCN-related condition. Last evaluated: 2022-12-10. Review status: criteria provided, single submitter. Criteria: ACMG Guidelines, 2015. Collection method: clinical testing. Allele origin: germline.
Comment: The MYCN c.302dupG variant is predicted to result in a frameshift and premature protein termination (p.Leu102Thrfs*164). To our knowledge, this variant has not been reported in the literature or in a large population database, indicating this variant is rare. Frameshift variants in MYCN are expected to be pathogenic. This variant is interpreted as likely pathogenic.